The following is an entry in ClinVar:

NM_139076.3(ABRAXAS1):c.709G>T (p.Glu237Ter)

Gene: ABRAXAS1 (abraxas 1, BRCA1 A complex subunit; minus strand). Cytogenetic location: 4q21.23.
Variant type: single nucleotide variant.
Coding change: c.709G>T on transcript NM_139076.3 (MANE Select); coding-DNA position 709, G replaced by T.
Protein change: p.Glu237Ter; replaces glutamic acid 237 with a stop codon.
Molecular consequence: nonsense.
Genome position (GRCh38, 1-based): chr4:83,463,581, C>A on the plus strand (G>T on the coding strand, the complement: ABRAXAS1 is on the minus strand). VCF-style: chr4-83463581-C-A. GRCh37 (hg19) VCF-style: chr4-84384734-C-A.
Other names: c.382G>T, p.Glu128Ter (NM_001345962.2); short protein forms E237*, E128*.
Identifiers: ClinVar variation 1366352 (VCV001366352.6), dbSNP rs758079543, ClinGen allele CA357256955.

ClinVar aggregate classification (germline): Uncertain significance (1 of 4 stars; one submission).

Allele frequency attached by ClinVar (database versions not stated): gnomAD exomes below 0.00001.
gnomAD v4.1: 1 of 1,608,144 alleles (0.000062%); highest among the groups gnomAD compares: Non-Finnish European, 0.000085%; no homozygotes.

Submission:

Labcorp Genetics (formerly Invitae), Labcorp
Classification: Uncertain significance. Last evaluated: 2025-11-10. Review status: criteria provided, single submitter. Criteria: Invitae Variant Classification Sherloc (09022015). Collection method: clinical testing. Allele origin: germline.
Comment: This sequence change creates a premature translational stop signal (p.Glu237*) in the ABRAXAS1 gene. It is expected to result in an absent or disrupted protein product. However, the current clinical and genetic evidence is not sufficient to establish whether loss-of-function variants in ABRAXAS1 cause disease. This variant is present in population databases (no rsID available, gnomAD 0.0009%). This variant has not been reported in the literature in individuals affected with ABRAXAS1-related conditions. ClinVar contains an entry for this variant (Variation ID: 1366352). In summary, the available evidence is currently insufficient to determine the role of this variant in disease. Therefore, it has been classified as a Variant of Uncertain Significance.